The following is an entry in ClinVar:

NM_025103.4(IFT74):c.1302A>C (p.Lys434Asn)

Gene: IFT74 (intraflagellar transport 74; plus strand). Cytogenetic location: 9p21.2.
Variant type: single nucleotide variant.
Coding change: c.1302A>C on transcript NM_025103.4 (MANE Select); coding-DNA position 1302, A replaced by C.
Protein change: p.Lys434Asn; replaces lysine 434 with asparagine.
Molecular consequence: missense variant.
Genome position (GRCh38, 1-based): chr9:27,048,243, A>C. VCF-style: chr9-27048243-A-C. GRCh37 (hg19) VCF-style: chr9-27048241-A-C.
Other names: c.1302A>C, p.Lys434Asn (NM_001099222.3, NM_001099223.3, NM_001349928.2); short protein forms K434N.
Identifiers: ClinVar variation 1973692 (VCV001973692.2), dbSNP rs2489682214, ClinGen allele CA373126255.

ClinVar aggregate classification (germline): Uncertain significance (1 of 4 stars; one submission).

Submission:

Labcorp Genetics (formerly Invitae), Labcorp
Classification: Uncertain significance. Last evaluated: 2022-08-16. Review status: criteria provided, single submitter. Criteria: Invitae Variant Classification Sherloc (09022015). Collection method: clinical testing. Allele origin: germline.
Comment: This sequence change replaces lysine, which is basic and polar, with asparagine, which is neutral and polar, at codon 434 of the IFT74 protein (p.Lys434Asn). This variant is not present in population databases (gnomAD no frequency). This variant has not been reported in the literature in individuals affected with IFT74-related conditions. Algorithms developed to predict the effect of missense changes on protein structure and function are either unavailable or do not agree on the potential impact of this missense change (SIFT: "Deleterious"; PolyPhen-2: "Benign"; Align-GVGD: "Class C0"). In summary, the available evidence is currently insufficient to determine the role of this variant in disease. Therefore, it has been classified as a Variant of Uncertain Significance.